The following is an entry in ClinVar:

NM_000503.6(EYA1):c.1697dup (p.His567fs)

Gene: EYA1 (EYA transcriptional coactivator and phosphatase 1; minus strand). Cytogenetic location: 8q13.3.
Variant type: Duplication.
Coding change: c.1697dup on transcript NM_000503.6 (MANE Select); coding-DNA position 1697, one base duplicated (A; older notation c.1697dupA).
Protein change: p.His567fs; shifts the reading frame from histidine 567.
Molecular consequence: frameshift variant.
Genome position (GRCh38, 1-based): chr8:71,211,157, T duplicated on the plus strand (A on the coding strand, the reverse complement: EYA1 is on the minus strand); the first of 6 consecutive T bases (chr8:71,211,157-71,211,162); duplicating any one gives the same sequence. VCF-style (leftmost placement, unchanged base first): chr8-71211156-C-CT. GRCh37 (hg19) VCF-style: chr8-72123391-C-CT.
Other names: c.1697dup (NM_000503.4); c.1679dup, p.His561fs (NM_001288574.2, NM_172059.5); c.1331dup, p.His445fs (NM_001288575.2); c.1784dup, p.His596fs (NM_001370333.1); c.1697dup, p.His567fs (NM_001370334.1, NM_001370335.1, NM_172058.4); c.1676dup, p.His560fs (NM_001370336.1); c.1598dup, p.His534fs (NM_001411797.1, NM_172060.4); short protein forms H560fs, H567fs, H596fs, H561fs, H445fs, H534fs.
Identifiers: ClinVar variation 3720832 (VCV003720832.3).

ClinVar aggregate classification (germline): Pathogenic/Likely pathogenic. Review status: criteria provided, multiple submitters, no conflicts (2 of 4 stars). 2 submissions from 2 submitters: Pathogenic (1); Likely pathogenic (1). Last evaluated 2025-06-15.

Conditions:
Melnick-Fraser syndrome (BOR). Also called: Branchiootorenal syndrome; Branchiootorenal Syndrome (BORS); Branchio-oto-renal syndrome. Identifiers: Orphanet 107, MedGen C0265234, MONDO:0007029.

Submissions (2):

GeneDx
Classification: Likely pathogenic. Last evaluated: 2025-06-15. Review status: criteria provided, single submitter. Criteria: GeneDx Variant Classification Process June 2021. Collection method: clinical testing. Allele origin: germline. Affected: yes.
Comment: Identified in a family who met clinical diagnostic criteria for branchiootorenal syndrome in published literature (PMID: 18220287); Frameshift variant predicted to result in abnormal protein length as the last 26 amino acid(s) are replaced with 64 different amino acid(s), and other similar variants have been reported in HGMD/the published literature (PMID: 18220287); Not observed at significant frequency in large population cohorts (gnomAD); This variant is associated with the following publications: (PMID: 18220287)

Labcorp Genetics (formerly Invitae), Labcorp
Classification: Pathogenic for Melnick-Fraser syndrome. Last evaluated: 2024-12-19. Review status: criteria provided, single submitter. Criteria: Invitae Variant Classification Sherloc (09022015). Collection method: clinical testing. Allele origin: germline.
Comment: This sequence change results in a frameshift in the EYA1 gene (p.His567Alafs*65). While this is not anticipated to result in nonsense mediated decay, it is expected to disrupt the last 26 amino acid(s) of the EYA1 protein and extend the protein by 38 additional amino acid residues. This variant is not present in population databases (gnomAD no frequency). This frameshift has been observed in individual(s) with branchiootorenal syndrome (PMID: 18220287). This variant disrupts a region of the EYA1 protein in which other variant(s) (p.Leu580Arg) have been determined to be pathogenic (internal data). This suggests that this is a clinically significant region of the protein, and that variants that disrupt it are likely to be disease-causing. For these reasons, this variant has been classified as Pathogenic.

Literature cited by the submitters: PubMed 18220287 (cited by Labcorp Genetics (formerly Invitae), Labcorp).